The following is an entry in ClinVar:

NM_001135651.3(EIF2AK2):c.1235A>C (p.His412Pro)

Gene: EIF2AK2 (eukaryotic translation initiation factor 2 alpha kinase 2; minus strand). Cytogenetic location: 2p22.2.
Variant type: single nucleotide variant.
Coding change: c.1235A>C on transcript NM_001135651.3 (MANE Select); coding-DNA position 1235, A replaced by C.
Protein change: p.His412Pro; replaces histidine 412 with proline.
Molecular consequence: missense variant.
Genome position (GRCh38, 1-based): chr2:37,119,972, T>G on the plus strand (A>C on the coding strand, the complement: EIF2AK2 is on the minus strand). VCF-style: chr2-37119972-T-G. GRCh37 (hg19) VCF-style: chr2-37347115-T-G.
Other names: c.1112A>C, p.His371Pro (NM_001135652.3); c.1235A>C, p.His412Pro (NM_002759.4); short protein forms H371P, H412P.
Identifiers: ClinVar variation 4874583 (VCV004874583.2).
Genomic context (GRCh38, chr2:37,119,972, plus strand): 5'-TACTATATTATATATATATCAATTAATAAAGTACATTTTCCACTTACCTTAAGATCTCTA[T>G]GAATTAATTTTTTTGAATGTATATAATCCACCCCTTTTGTTATTTGTTCAAAGAGTTCCA-3'
Protein context (NP_001129123.1, residues 402-422): VDYIHSKKLI[His412Pro]RDLKPSNIFL

ClinVar aggregate classification (germline): Uncertain significance (1 of 4 stars; one submission).

Submission:

CeGaT Center for Human Genetics Tuebingen
Classification: Uncertain significance. Last evaluated: 2026-04-01. Review status: criteria provided, single submitter. Criteria: CeGaT Center For Human Genetics Tuebingen Variant Classification Criteria Version 2. Collection method: clinical testing. Allele origin: germline. Affected: yes. Observed: 1 variant allele.
Comment: EIF2AK2: PM2, PP2